The following is an entry in ClinVar:

NM_000384.3(APOB):c.499C>T (p.Pro167Ser)

Gene: APOB (apolipoprotein B; minus strand). Cytogenetic location: 2p24.1.
Variant type: single nucleotide variant.
Coding change: c.499C>T on transcript NM_000384.3 (MANE Select); coding-DNA position 499, C replaced by T.
Protein change: p.Pro167Ser; replaces proline 167 with serine.
Molecular consequence: missense variant.
Genome position (GRCh38, 1-based): chr2:21,037,996, G>A on the plus strand (C>T on the coding strand, the complement: APOB is on the minus strand). VCF-style: chr2-21037996-G-A. GRCh37 (hg19) VCF-style: chr2-21260868-G-A.
Other names: p.Pro167Ser; short protein forms P167S.
Identifiers: ClinVar variation 189306 (VCV000189306.22), dbSNP rs139842930, ClinGen allele CA022840.
Genomic context (GRCh38, chr2:21,037,996, plus strand): 5'-TATCAGCTTTCTAAATCCTCACCAGAAACAACACTTGCTTGGCTTCTTCTGTCTCTGGGG[G>A]AACCAGGAGGGCAGAAATGATGCCCCTCTTGATGTTCAGGATGTAAGTAGGTTCATCTTT-3'
Protein context (NP_000375.3, residues 157-177): KRGIISALLV[Pro167Ser]PETEEAKQVL

ClinVar aggregate classification (germline): Conflicting classifications of pathogenicity. Review status: criteria provided, conflicting classifications (1 of 4 stars). 6 submissions from 5 submitters: Uncertain significance (3); Likely benign (3). Last evaluated 2025-11-27.

Conditions:
Cardiovascular phenotype. Identifiers: MedGen CN230736.
Familial hypobetalipoproteinemia 1. Also called: Hypobetalipoproteinemia, normotriglyceridemic; Acanthocytosis with hypobetalipoproteinemia; APOB-Related Familial Hypobetalipoproteinemia. Identifiers: MedGen C4551990, MONDO:0014252, OMIM 615558.
Hypercholesterolemia, autosomal dominant, type B (FHCL2). Also called: HYPERCHOLESTEROLEMIA, FAMILIAL, DUE TO LIGAND-DEFECTIVE APOLIPOPROTEIN B; Hyperlipoproteinemia Type IIb; Familial Hypercholesterolemia Type B; Familial hypercholesterolemia 2; APOB-Related Familial Hypercholesterolemia, Autosomal Dominant; APOLIPOPROTEIN B-100, FAMILIAL DEFECTIVE. Identifiers: MedGen C1704417, MONDO:0007751, OMIM 144010.
Hypercholesterolemia, familial, 1. Also called: HYPERCHOLESTEROLEMIA, FAMILIAL, MODIFIER OF; LDL RECEPTOR DISORDER; Hyperlipoproteinemia Type IIa; HYPER-LOW-DENSITY-LIPOPROTEINEMIA; HYPERCHOLESTEROLEMIC XANTHOMATOSIS, FAMILIAL; Fredrickson type IIa hyperlipoproteinemia. Identifiers: Orphanet 391665, MedGen C0745103, MONDO:0007750, OMIM 143890.

Allele frequency attached by ClinVar (database versions not stated): ESP Exome Variant Server 0.00008; gnomAD 0.00010; gnomAD exomes 0.00010; TOPMed 0.00011; ExAC 0.00007.
gnomAD v4.1: 165 of 1,614,066 alleles (0.01%); highest among the groups gnomAD compares: Non-Finnish European, 0.013%; no homozygotes.

Submissions (6):

Labcorp Genetics (formerly Invitae), Labcorp
Classification: Likely benign for Familial hypobetalipoproteinemia 1; Hypercholesterolemia, autosomal dominant, type B. Last evaluated: 2025-11-27. Review status: criteria provided, single submitter. Criteria: Invitae Variant Classification Sherloc (09022015). Collection method: clinical testing. Allele origin: germline.

Mayo Clinic Laboratories, Mayo Clinic
Classification: Uncertain significance. Last evaluated: 2025-02-21. Review status: criteria provided, single submitter. Criteria: ACMG Guidelines, 2015. Collection method: clinical testing. Allele origin: germline. Observed: 1 variant allele.

Ambry Genetics
Classification: Uncertain significance for Cardiovascular phenotype. Last evaluated: 2023-04-12. Review status: criteria provided, single submitter. Criteria: Ambry Variant Classification Scheme 2023. Collection method: clinical testing. Allele origin: germline.
Comment: The p.P167S variant (also known as c.499C>T), located in coding exon 5 of the APOB gene, results from a C to T substitution at nucleotide position 499. The proline at codon 167 is replaced by serine, an amino acid with similar properties. In an exome study of German patients with myocardial infarction before 60 years old and a family history of coronary artery disease, this variant did not segregate with disease in one family. Family members with this variant also had a mean corrected LDL-C of 168.8mg/dL (Br&aelig;nne I et al. Eur. J. Hum. Genet., 2016 Feb;24:191-7). This amino acid position is highly conserved in available vertebrate species. In addition, the in silico prediction for this alteration is inconclusive. Since supporting evidence is limited at this time, the clinical significance of this alteration remains unclear.

Illumina Laboratory Services, Illumina
Classification: Uncertain significance for Familial hypobetalipoproteinemia 1. Last evaluated: 2017-06-08. Review status: criteria provided, single submitter. Criteria: ICSL Variant Classification Criteria 13 December 2019. Collection method: clinical testing. Allele origin: germline.

Illumina Laboratory Services, Illumina
Classification: Likely benign for Hypercholesterolemia, autosomal dominant, type B. Last evaluated: 2017-06-08. Review status: criteria provided, single submitter. Criteria: ICSL Variant Classification Criteria 13 December 2019. Collection method: clinical testing. Allele origin: germline.
Comment: This variant was observed as part of a predisposition screen in an ostensibly healthy population. A literature search was performed for the gene, cDNA change, and amino acid change (where applicable). Publications were found based on this search. The evidence from the literature, in combination with allele frequency data from public databases where available, was sufficient to determine this variant is unlikely to cause disease. Therefore, this variant is classified as likely benign.

Institute for Integrative and Experimental Genomics, University of Luebeck
Classification: Likely benign for Familial Hypercholesterolemia. Review status: criteria provided, single submitter. Criteria: Submitter's publication. Collection method: research. Allele origin: germline. Inheritance: Autosomal dominant inheritance. Affected: no.

Literature cited by the submitters: PubMed 26036859 (cited by 3 submitters).